The following is an entry in ClinVar:

ClinVar aggregate classification (germline): Benign. Review status: criteria provided, multiple submitters, no conflicts (2 of 4 stars). 14 submissions from 12 submitters: Benign (10). 4 of the submissions do not count toward it. Last evaluated 2026-02-04.

Conditions:
Bifunctional peroxisomal enzyme deficiency (DBIF). Also called: D-bifunctional protein deficiency; DBP DEFICIENCY; PBFE DEFICIENCY. Identifiers: Orphanet 300, MedGen C0342870, MONDO:0009855, OMIM 261515. Disease mechanism: loss of function.
Perrault syndrome. Also called: Gonadal dysgenesis with auditory dysfunction, autosomal recessive inheritance. Identifiers: Orphanet 2855, MedGen C0685838, MONDO:0017312.
Perrault syndrome 1 (PRLTS1). Also called: GONADAL DYSGENESIS, XX TYPE, WITH DEAFNESS; OVARIAN DYSGENESIS WITH SENSORINEURAL DEAFNESS. Identifiers: Orphanet 2855, Orphanet 642945, MedGen C4551721, MONDO:0009300, OMIM 233400.

Allele frequency attached by ClinVar (database versions not stated): TOPMed 0.37967; gnomAD 0.38516 and 0.38375; ExAC 0.44004; gnomAD exomes 0.45087; 1000 Genomes Project 0.36262; 1000 Genomes Project 30x 0.35509.

Submissions (14):

Labcorp Genetics (formerly Invitae), Labcorp
Classification: Benign for Perrault syndrome; Bifunctional peroxisomal enzyme deficiency. Last evaluated: 2026-02-04. Review status: criteria provided, single submitter. Criteria: Invitae Variant Classification Sherloc (09022015). Collection method: clinical testing. Allele origin: germline.

ARUP Laboratories, Molecular Genetics and Genomics, ARUP Laboratories
Classification: Benign. Last evaluated: 2025-06-12. Review status: criteria provided, single submitter. Criteria: ARUP Molecular Germline Variant Investigation Process 2024. Collection method: clinical testing. Allele origin: germline.

Genome-Nilou Lab
Classification: Benign for Bifunctional peroxisomal enzyme deficiency. Last evaluated: 2021-07-10. Review status: criteria provided, single submitter. Criteria: ACMG Guidelines, 2015. Collection method: clinical testing. Allele origin: germline. Affected: no.

Genome-Nilou Lab
Classification: Benign for Perrault syndrome 1. Last evaluated: 2021-07-10. Review status: criteria provided, single submitter. Criteria: ACMG Guidelines, 2015. Collection method: clinical testing. Allele origin: germline. Affected: no.

GeneDx
Classification: Benign. Last evaluated: 2017-05-09. Review status: criteria provided, single submitter. Criteria: GeneDx Variant Classification (06012015). Collection method: clinical testing. Allele origin: germline. Affected: yes.
Comment: This variant is considered likely benign or benign based on one or more of the following criteria: it is a conservative change, it occurs at a poorly conserved position in the protein, it is predicted to be benign by multiple in silico algorithms, and/or has population frequency not consistent with disease.

Illumina Laboratory Services, Illumina
Classification: Benign for Perrault syndrome 1. Last evaluated: 2017-04-27. Review status: criteria provided, single submitter. Criteria: ICSL Variant Classification Criteria 13 December 2019. Collection method: clinical testing. Allele origin: germline.
Comment: This variant was observed as part of a predisposition screen in an ostensibly healthy population. A literature search was performed for the gene, cDNA change, and amino acid change (where applicable). No publications were found based on this search. Allele frequency data from public databases was too high to be consistent with this variant causing disease. Therefore, this variant is classified as benign.

Illumina Laboratory Services, Illumina
Classification: Benign for Bifunctional peroxisomal enzyme deficiency. Last evaluated: 2017-04-27. Review status: criteria provided, single submitter. Criteria: ICSL Variant Classification Criteria 13 December 2019. Collection method: clinical testing. Allele origin: germline.
Comment: the same text as in the submission from Illumina Laboratory Services, Illumina above.

Eurofins Ntd Llc (ga)
Classification: Benign. Last evaluated: 2015-01-16. Review status: criteria provided, single submitter. Criteria: EGL Classification Definitions 2015. Collection method: clinical testing. Allele origin: germline. Observed: 2 variant alleles, 1 heterozygote, 1 homozygote.

Laboratory for Molecular Medicine, Mass General Brigham Personalized Medicine
Classification: Benign. Last evaluated: 2014-10-31. Review status: criteria provided, single submitter. Criteria: LMM Criteria. Collection method: clinical testing. Allele origin: germline. Observed: 665 variant alleles.
Comment: Arg131His in exon 7 of HSD17B4: This variant is not expected to have clinical si gnificance because it has been identified in 46% (3954/8596) of European America n chromosomes and 18% (776/4404) of African American chromosomes by the NHLBI Ex ome Sequencing Project (dbSNP rs25640).

PreventionGenetics, part of Exact Sciences
Classification: Benign. Review status: criteria provided, single submitter. Criteria: ACMG Guidelines, 2015. Collection method: clinical testing. Allele origin: germline.

Natera, Inc.
Classification: Benign for Bifunctional peroxisomal enzyme deficiency. Last evaluated: 2020-09-16. Review status: no assertion criteria provided. Collection method: clinical testing. Allele origin: germline. Not counted in ClinVar's aggregate classification.

Mayo Clinic Laboratories, Mayo Clinic
Classification: Benign. Last evaluated: 2015-10-26. Review status: no assertion criteria provided. Collection method: clinical testing. Allele origin: unknown. Not counted in ClinVar's aggregate classification.

Diagnostic Laboratory, Department of Genetics, University Medical Center Groningen
Classification: Benign. Review status: no assertion criteria provided. Collection method: clinical testing. Allele origin: germline. Affected: yes. Study: VKGL Data-share Consensus. Not counted in ClinVar's aggregate classification.

Joint Genome Diagnostic Labs from Nijmegen and Maastricht, Radboudumc and MUMC+
Classification: Benign. Review status: no assertion criteria provided. Collection method: clinical testing. Allele origin: germline. Affected: yes. Study: VKGL Data-share Consensus. Not counted in ClinVar's aggregate classification.

NM_000414.4(HSD17B4):c.317G>A (p.Arg106His)

Gene: HSD17B4 (hydroxysteroid 17-beta dehydrogenase 4; plus strand). Cytogenetic location: 5q23.1.
Variant type: single nucleotide variant.
Coding change: c.317G>A on transcript NM_000414.4 (MANE Select); coding-DNA position 317, G replaced by A.
Protein change: p.Arg106His; replaces arginine 106 with histidine.
Molecular consequence: missense variant. On other transcripts: 5 prime UTR variant (5), non-coding transcript variant (2), intron variant (1).
Genome position (GRCh38, 1-based): chr5:119,475,838, G>A. VCF-style: chr5-119475838-G-A. GRCh37 (hg19) VCF-style: chr5-118811533-G-A.
Other names: c.392G>A, p.Arg131His (NM_001199291.3); c.263G>A, p.Arg88His (NM_001199292.2); c.245G>A, p.Arg82His (NM_001292027.2); c.-95G>A (NM_001292028.2, NM_001374501.1, NM_001374502.1 and 1 more transcripts); c.317G>A, p.Arg106His (NM_001374497.1, NM_001374498.1); c.-222G>A (NM_001374500.1); c.22+111G>A (NM_001374499.1); short protein forms R106H, R131H, R82H, R88H.
Identifiers: ClinVar variation 198079 (VCV000198079.43), dbSNP rs25640, ClinGen allele CA203225.
Genomic context (GRCh38, chr5:119,475,838, plus strand): 5'-AGTATATACTTTCCTCCTTTTACCCTATACAACATTGATTTTTTAGAATTCTGAGGGATC[G>A]TTCCTTTGCTAGGATAAGTGATGAAGACTGGGGTAAGTTGTTTTTAGTATTTCTCTGGGG-3'
Protein context (NP_000405.1, residues 96-116): VVNNAGILRD[Arg106His]SFARISDEDW